The following is an entry in ClinVar:

ClinVar aggregate classification (germline): Uncertain significance. Review status: criteria provided, multiple submitters, no conflicts (2 of 4 stars). 2 submissions from 2 submitters: Uncertain significance (2). Last evaluated 2025-10-02.

Conditions:
Inborn genetic diseases. Identifiers: MedGen C0950123, MeSH D030342.

Allele frequency attached by ClinVar (database versions not stated): TOPMed 0.00001; gnomAD 0.00001; ExAC 0.00002; gnomAD exomes 0.00004.
gnomAD v4.1: 57 of 1,614,052 alleles (0.0035%); highest among the groups gnomAD compares: East Asian, 0.0045%; no homozygotes.

Submissions (2):

Ambry Genetics
Classification: Uncertain significance for Inborn genetic diseases. Last evaluated: 2025-10-02. Review status: criteria provided, single submitter. Criteria: Ambry Variant Classification Scheme 2023. Collection method: clinical testing. Allele origin: germline.
Comment: The c.770G>A (p.R257H) alteration is located in exon 2 (coding exon 2) of the ALX4 gene. This alteration results from a G to A substitution at nucleotide position 770, causing the arginine (R) at amino acid position 257 to be replaced by a histidine (H). Based on data from gnomAD, the A allele has an overall frequency of 0.002% (5/251090) total alleles studied. The highest observed frequency was 0.016% (1/6130) of Other alleles. Based on insufficient or conflicting evidence, the clinical significance of this alteration remains unclear.

Labcorp Genetics (formerly Invitae), Labcorp
Classification: Uncertain significance. Last evaluated: 2023-08-10. Review status: criteria provided, single submitter. Criteria: Invitae Variant Classification Sherloc (09022015). Collection method: clinical testing. Allele origin: germline.
Comment: In summary, the available evidence is currently insufficient to determine the role of this variant in disease. Therefore, it has been classified as a Variant of Uncertain Significance. An algorithm developed to predict the effect of missense changes on protein structure and function (PolyPhen-2) suggests that this variant is likely to be disruptive. This variant has not been reported in the literature in individuals affected with ALX4-related conditions. This variant is present in population databases (rs200419726, gnomAD 0.006%). This sequence change replaces arginine, which is basic and polar, with histidine, which is basic and polar, at codon 257 of the ALX4 protein (p.Arg257His).

NM_021926.4(ALX4):c.770G>A (p.Arg257His)

Gene: ALX4 (ALX homeobox 4; minus strand). Cytogenetic location: 11p11.2.
Variant type: single nucleotide variant.
Coding change: c.770G>A on transcript NM_021926.4 (MANE Select); coding-DNA position 770, G replaced by A.
Protein change: p.Arg257His; replaces arginine 257 with histidine.
Molecular consequence: missense variant.
Genome position (GRCh38, 1-based): chr11:44,275,355, C>T on the plus strand (G>A on the coding strand, the complement: ALX4 is on the minus strand). VCF-style: chr11-44275355-C-T. GRCh37 (hg19) VCF-style: chr11-44296905-C-T.
Other names: c.770G>A (NM_021926.3); short protein forms R257H.
Identifiers: ClinVar variation 2740068 (VCV002740068.3), dbSNP rs200419726, ClinGen allele CA5955662.
Genomic context (GRCh38, chr11:44,275,355, plus strand): 5'-CCCAGGGACAGGCTCTGCTTTACCAGCCTCACTCCCAGGTGGCCCTCACTGACCTGCACG[C>T]GGGCCTCAGTGAGGTCTGTCCTCATGGCCAGCTGTTCCCGCGCATACACGTCTGGGTAGT-3'
Protein context (NP_068745.2, residues 247-267): LAMRTDLTEA[Arg257His]VQVWFQNRRA